The following is an entry in ClinVar:

NM_004320.6(ATP2A1):c.1619C>T (p.Pro540Leu)

Gene: ATP2A1 (ATPase sarcoplasmic/endoplasmic reticulum Ca2+ transporting 1; plus strand). Cytogenetic location: 16p11.2.
Variant type: single nucleotide variant.
Coding change: c.1619C>T on transcript NM_004320.6 (MANE Select); coding-DNA position 1619, C replaced by T.
Protein change: p.Pro540Leu; replaces proline 540 with leucine.
Molecular consequence: missense variant.
Genome position (GRCh38, 1-based): chr16:28,898,306, C>T. VCF-style: chr16-28898306-C-T. GRCh37 (hg19) VCF-style: chr16-28909627-C-T.
Other names: p.Pro540Leu; c.1244C>T, p.Pro415Leu (NM_001286075.2); c.1619C>T, p.Pro540Leu (NM_173201.5); c.1619C>T (NM_173201.4); short protein forms P540L, P415L.
Identifiers: ClinVar variation 464077 (VCV000464077.17), dbSNP rs114675305, ClinGen allele CA7987037.
Genomic context (GRCh38, chr16:28,898,306, plus strand): 5'-GCGTCATCGACCGCTGTAACTATGTGCGAGTTGGCACCACCCGGGTGCCACTGACGGGGC[C>T]GGTGAAGGAAAAGATCATGGCGGTGATCAAGGAGTGGGGCACTGGCCGGGACACCCTGCG-3'
Protein context (NP_004311.1, residues 530-550): VGTTRVPLTG[Pro540Leu]VKEKIMAVIK

ClinVar aggregate classification (germline): Benign. Review status: criteria provided, multiple submitters, no conflicts (2 of 4 stars). 5 submissions from 5 submitters: Benign (5). Last evaluated 2026-01-25.

Conditions:
Brody myopathy. Also called: BRODY DISEASE. Identifiers: Orphanet 53347, MedGen C1832918, MONDO:0010977, OMIM 601003.

Allele frequency attached by ClinVar (database versions not stated): gnomAD exomes 0.00226; ExAC 0.00267; 1000 Genomes Project 0.00839; gnomAD 0.00857 and 0.00923; 1000 Genomes Project 30x 0.00874; ESP Exome Variant Server 0.00962; TOPMed 0.00975.
gnomAD v4.1: 2,715 of 1,614,156 alleles (0.17%); highest among the groups gnomAD compares: African/African-American, 3%; 37 homozygotes.

Submissions (5):

Labcorp Genetics (formerly Invitae), Labcorp
Classification: Benign for Brody myopathy. Last evaluated: 2026-01-25. Review status: criteria provided, single submitter. Criteria: Invitae Variant Classification Sherloc (09022015). Collection method: clinical testing. Allele origin: germline.

Mayo Clinic Laboratories, Mayo Clinic
Classification: Benign. Last evaluated: 2024-01-12. Review status: criteria provided, single submitter. Criteria: ACMG Guidelines, 2015. Collection method: clinical testing. Allele origin: germline. Observed: 6 variant alleles.
Comment: BA1, BS2, BP4

GeneDx
Classification: Benign. Last evaluated: 2018-02-08. Review status: criteria provided, single submitter. Criteria: GeneDx Variant Classification (06012015). Collection method: clinical testing. Allele origin: germline. Affected: yes.
Comment: This variant is considered likely benign or benign based on one or more of the following criteria: it is a conservative change, it occurs at a poorly conserved position in the protein, it is predicted to be benign by multiple in silico algorithms, and/or has population frequency not consistent with disease.

Illumina Laboratory Services, Illumina
Classification: Benign for Brody myopathy. Last evaluated: 2018-01-12. Review status: criteria provided, single submitter. Criteria: ICSL Variant Classification Criteria 13 December 2019. Collection method: clinical testing. Allele origin: germline.
Comment: This variant was observed in the ICSL laboratory as part of a predisposition screen in an ostensibly healthy population. It had not been previously curated by ICSL or reported in the Human Gene Mutation Database (HGMD: prior to June 1st, 2018), and was therefore a candidate for classification through an automated scoring system. Utilizing variant allele frequency, disease prevalence and penetrance estimates, and inheritance mode, an automated score was calculated to assess if this variant is too frequent to cause the disease. Based on the score and internal cut-off values, a variant classified as benign is not then subjected to further curation. The score for this variant resulted in a classification of benign for this disease.

Breakthrough Genomics
Classification: Benign. Review status: criteria provided, single submitter. Criteria: ACMG Guidelines, 2015. Collection method: not provided. Allele origin: germline. Inheritance: Autosomal recessive inheritance. Affected: yes.